The following is an entry in ClinVar:

ClinVar aggregate classification (germline): Uncertain significance. Review status: criteria provided, multiple submitters, no conflicts (2 of 4 stars). 2 submissions from 2 submitters: Uncertain significance (2). Last evaluated 2022-05-06.

Conditions:
SLC35A2-congenital disorder of glycosylation. Also called: SLC35A2-CDG; DEVELOPMENTAL AND EPILEPTIC ENCEPHALOPATHY 22; CONGENITAL DISORDER OF GLYCOSYLATION, TYPE IIm; CDG IIm; EPILEPTIC ENCEPHALOPATHY, EARLY INFANTILE, 22; CONGENITAL DISORDER OF GLYCOSYLATION, TYPE IIm, SOMATIC MOSAIC. Identifiers: Orphanet 356961, MedGen C3806688, MONDO:0010478, OMIM 300896.

Allele frequency attached by ClinVar (database versions not stated): gnomAD exomes 0.00001; TOPMed 0.00001; gnomAD 0.00002; ExAC 0.00010.

Submissions (2):

Labcorp Genetics (formerly Invitae), Labcorp
Classification: Uncertain significance for SLC35A2-congenital disorder of glycosylation. Last evaluated: 2022-05-06. Review status: criteria provided, single submitter. Criteria: Invitae Variant Classification Sherloc (09022015). Collection method: clinical testing. Allele origin: germline.
Comment: In summary, the available evidence is currently insufficient to determine the role of this variant in disease. Therefore, it has been classified as a Variant of Uncertain Significance. Algorithms developed to predict the effect of missense changes on protein structure and function are either unavailable or do not agree on the potential impact of this missense change (SIFT: "Deleterious"; PolyPhen-2: "Benign"; Align-GVGD: "Class C0"). This variant has not been reported in the literature in individuals affected with SLC35A2-related conditions. The frequency data for this variant in the population databases is considered unreliable, as metrics indicate poor data quality at this position in the gnomAD database. This sequence change replaces serine, which is neutral and polar, with phenylalanine, which is neutral and non-polar, at codon 19 of the SLC35A2 protein (p.Ser19Phe).

GeneDx
Classification: Uncertain significance. Last evaluated: 2022-01-07. Review status: criteria provided, single submitter. Criteria: GeneDx Variant Classification Process June 2021. Collection method: clinical testing. Allele origin: germline. Affected: yes.
Comment: In silico analysis supports that this missense variant does not alter protein structure/function; Has not been previously published as pathogenic or benign to our knowledge

NM_005660.3(SLC35A2):c.56C>T (p.Ser19Phe)

Gene: SLC35A2 (solute carrier family 35 member A2; minus strand). Cytogenetic location: Xp11.23.
Variant type: single nucleotide variant.
Coding change: c.56C>T on transcript NM_005660.3 (MANE Select); coding-DNA position 56, C replaced by T.
Protein change: p.Ser19Phe; replaces serine 19 with phenylalanine.
Molecular consequence: missense variant. On other transcripts: intron variant (1).
Genome position (GRCh38, 1-based): chrX:48,911,581, G>A on the plus strand (C>T on the coding strand, the complement: SLC35A2 is on the minus strand). VCF-style: chrX-48911581-G-A. GRCh37 (hg19) VCF-style: chrX-48768858-G-A.
Other names: c.56C>T, p.Ser19Phe (NM_001032289.3, NM_001042498.3, NM_001282647.2 and 3 more transcripts); c.19+278C>T (NM_001282648.2); short protein forms S19F.
Identifiers: ClinVar variation 1695635 (VCV001695635.7), dbSNP rs781945687, ClinGen allele CA10406216.
Genomic context (GRCh38, chrX:48,911,581, plus strand): 5'-CGACTGCTCGGGCAGACTGTCTCACCCGCACTGGCGGTCCCCGGCTCCAATGCACCCGCG[G>A]AAACCGCCCCTGGCCCGGGCGCCGCGGTGGAACCACCAGCCCCAACCGCTGCCATGTTGG-3'
Protein context (NP_005651.1, residues 9-29): STAAPGPGAV[Ser19Phe]AGALEPGTAS